The following is an entry in ClinVar:

ClinVar aggregate classification (germline): Benign/Likely benign. Review status: criteria provided, multiple submitters, no conflicts (2 of 4 stars). 4 submissions from 4 submitters: Benign (1); Likely benign (2). 1 of the submissions does not count toward it. Last evaluated 2025-11-10.

Conditions:
Pheochromocytoma/paraganglioma syndrome 5. Also called: Paragangliomas 5; SDHA-Related Hereditary Paraganglioma-Pheochromocytoma Syndrome. Identifiers: Orphanet 29072, MedGen C3279992, MONDO:0013602, OMIM 614165.
Mitochondrial complex II deficiency, nuclear type 1. Also called: SUCCINATE CoQ REDUCTASE DEFICIENCY. Identifiers: Orphanet 3208, MedGen C5700310, MONDO:0100294, OMIM 252011.
Hereditary cancer-predisposing syndrome. Also called: Tumor predisposition; Neoplastic Syndromes, Hereditary; Hereditary Cancer Syndrome; Hereditary neoplastic syndrome. Identifiers: Orphanet 140162, MedGen C0027672, MeSH D009386, MONDO:0015356.
SDHA-related disorder. Also called: SDHA-related condition; SDHA-related disorders.

Allele frequency attached by ClinVar (database versions not stated): gnomAD exomes 0.00002 and 0.00003; ExAC 0.00004.
gnomAD v4.1: 17 of 1,613,998 alleles (0.0011%); highest among the groups gnomAD compares: South Asian, 0.015%; no homozygotes.

Submissions (4):

Labcorp Genetics (formerly Invitae), Labcorp
Classification: Likely benign for Pheochromocytoma/paraganglioma syndrome 5; Mitochondrial complex II deficiency, nuclear type 1. Last evaluated: 2025-11-10. Review status: criteria provided, single submitter. Criteria: Invitae Variant Classification Sherloc (09022015). Collection method: clinical testing. Allele origin: germline.

Myriad Genetics, Inc.
Classification: Benign for Pheochromocytoma/paraganglioma syndrome 5. Last evaluated: 2025-03-11. Review status: criteria provided, single submitter. Criteria: Myriad Autosomal Dominant, Autosomal Recessive and X-Linked Classification Criteria (2023). Collection method: clinical testing. Allele origin: unknown.
Comment: This variant is considered benign. This variant is a silent/synonymous amino acid change and it is not expected to impact splicing.

Ambry Genetics
Classification: Likely benign for Hereditary cancer-predisposing syndrome. Last evaluated: 2023-12-23. Review status: criteria provided, single submitter. Criteria: Ambry Variant Classification Scheme 2023. Collection method: clinical testing. Allele origin: germline.

PreventionGenetics, part of Exact Sciences
Classification: Likely benign for SDHA-related condition. Last evaluated: 2020-04-06. Review status: no assertion criteria provided. Collection method: clinical testing. Allele origin: germline. Not counted in ClinVar's aggregate classification.
Comment: This variant is classified as likely benign based on ACMG/AMP sequence variant interpretation guidelines (Richards et al. 2015 PMID: 25741868, with internal and published modifications).

NM_004168.4(SDHA):c.1755G>A (p.Arg585=)

Gene: SDHA (succinate dehydrogenase complex flavoprotein subunit A; plus strand). Cytogenetic location: 5p15.33.
Variant type: single nucleotide variant.
Coding change: c.1755G>A on transcript NM_004168.4 (MANE Select); coding-DNA position 1755, G replaced by A.
Protein change: p.Arg585=; no amino-acid change (arginine 585 retained).
Molecular consequence: synonymous variant. On other transcripts: intron variant (1).
Genome position (GRCh38, 1-based): chr5:251,429, G>A. VCF-style: chr5-251429-G-A. GRCh37 (hg19) VCF-style: chr5-251544-G-A.
Other names: c.1755G>A (NM_004168.3, NM_004168.2); c.1611G>A, p.Arg537= (NM_001294332.2); c.1552-2964G>A (NM_001330758.2).
Identifiers: ClinVar variation 1128214 (VCV001128214.13), dbSNP rs760254364, ClinGen allele CA3173349.